The following is an entry in ClinVar:

ClinVar aggregate classification (germline): Pathogenic. Review status: criteria provided, multiple submitters, no conflicts (2 of 4 stars). 22 submissions from 22 submitters: Pathogenic (19). 3 of the submissions do not count toward it. Last evaluated 2026-07-01.

Conditions:
ATM-related disorder. Also called: ATM-related disorders; ATM-related condition.
Breast and/or ovarian cancer. Identifiers: MedGen CN221562.
Hereditary cancer-predisposing syndrome. Also called: Hereditary Cancer Syndrome; Tumor predisposition; Neoplastic Syndromes, Hereditary; Hereditary neoplastic syndrome. Identifiers: Orphanet 140162, MedGen C0027672, MeSH D009386, MONDO:0015356.
Ataxia-telangiectasia syndrome (AT). Also called: ATAXIA-TELANGIECTASIA, COMPLEMENTATION GROUP A; ATAXIA-TELANGIECTASIA, FRESNO VARIANT; Ataxia-telangiectasia; Ataxia-telangiectasia, complementation group E; Cerebello-oculocutaneous telangiectasia; Immunodeficiency with ataxia telangiectasia. Identifiers: Orphanet 100, MedGen C0004135, MONDO:0008840, OMIM 208900.
Breast cancer, susceptibility to. Identifiers: MedGen C3469522. Disease mechanism: gain of function.
Carcinoma of colon (CRC). Also called: Colonic carcinoma; Colon carcinoma. Identifiers: MedGen C0699790, MONDO:0002032.
Familial cancer of breast. Also called: hereditary breast carcinoma; BREAST CANCER, FAMILIAL; Hereditary breast cancer. Identifiers: Orphanet 227535, MedGen C0346153, MONDO:0016419, OMIM 114480. Disease mechanism: loss of function.

Submissions 1 to 10 of 22:

CeGaT Center for Human Genetics Tuebingen
Classification: Pathogenic. Last evaluated: 2026-07-01. Review status: criteria provided, single submitter. Criteria: CeGaT Center For Human Genetics Tuebingen Variant Classification Criteria Version 2. Collection method: clinical testing. Allele origin: germline. Affected: yes. Observed: 1 variant allele.
Comment: ATM: PS4, PVS1:Strong, PM2

Natera, Inc.
Classification: Pathogenic for Ataxia-telangiectasia. Last evaluated: 2026-01-28. Review status: criteria provided, single submitter. Criteria: Natera Variant Classification Schema (03/2026). Collection method: clinical testing. Allele origin: germline.
Comment: The c.8418+5_8418+8delGTGA variant in ATM is a frameshift variant predicted to shift the reading frame and introduce a stop codon. This variant is rare in the general population with a frequency below the threshold expected for the associated phenotype(s). This variant has been observed in one or more individuals affected with the associated recessive disease, as either homozygous or compound heterozygous with a second variant (PMID: 12552559, 30549301, 10817650). Additionally, this variant has been observed to segregate in affected family members (PMID: 10817650). Given the available evidence, this variant is classified as Pathogenic.

Labcorp Genetics (formerly Invitae), Labcorp
Classification: Pathogenic for Ataxia-telangiectasia syndrome. Last evaluated: 2026-01-18. Review status: criteria provided, single submitter. Criteria: Invitae Variant Classification Sherloc (09022015). Collection method: clinical testing. Allele origin: germline.
Comment: This sequence change falls in intron 57 of the ATM gene. It does not directly change the encoded amino acid sequence of the ATM protein. RNA analysis indicates that this variant induces altered splicing and likely results in a shortened protein product. This variant is present in population databases (rs769139997, gnomAD 0.002%). This variant has been observed in individuals with ATM-related conditions (PMID: 9872980, 10817650, 12552559, 26681312, 27433846). This variant is also known as c.8269delta150, 8418+1delGTGA, IVS59+1del4, and IVS59+5_IVS59+8delGTGA. ClinVar contains an entry for this variant (Variation ID: 181866). Variants that disrupt the consensus splice site are a relatively common cause of aberrant splicing (PMID: 17576681, 9536098). Studies have shown that this variant results in skipping of exon 57 (also known as exon 59), but is expected to preserve the integrity of the reading-frame (PMID: 8808599; internal data). For these reasons, this variant has been classified as Pathogenic.

Ambry Genetics
Classification: Pathogenic for Hereditary cancer-predisposing syndrome. Last evaluated: 2025-08-01. Review status: criteria provided, single submitter. Criteria: Ambry Variant Classification Scheme 2023. Collection method: clinical testing. Allele origin: germline.
Comment: The c.8418+5_8418+8delGTGA intronic pathogenic mutation (also known as c.8418+1_8418+4delGTGA) is located 5 nucleotides after coding exon 56 of the ATM gene. This mutation results from a deletion of 4 nucleotides at positions c.8418+5 to c.8418+8 which affects the splice donor site and was reported to result in the deletion of coding exon 56 (Wright J et al. Am. J. Hum. Genet. 1996 Oct;59(4):839-46). RNA studies have shown skipping of coding exon 56 in samples with this alteration (Ambry internal data). This mutation has been reported as compound heterozygous in numerous patients with ataxia-telangiectasia (AT) (Wright J et al. Am. J. Hum. Genet. 1996 Oct;59(4):839-46; Stankovic T et al. Am. J. Hum. Genet. 1998 Feb;62(2):334-45; Li A and Swift M. Am. J. Med. Genet. 2000 May;92(3):170-7; Buzin CH et al. Hum. Mutat. 2003 Feb;21(2):123-31). This mutation has also been reported in individuals with male breast cancer (Pritzlaff M et al. Breast Cancer Res. Treat. 2017 Feb;161:575-586), metastatic prostate cancer (Pritchard CC et al. N. Engl. J. Med. 2016 Aug;375:443-53), and breast cancer (Susswein LR et al. Genet. Med. 2016 Aug;18:823-32). Based on available evidence, this alteration is interpreted as a disease-causing mutation.

PreventionGenetics, part of Exact Sciences
Classification: Pathogenic for ATM-related condition. Last evaluated: 2025-07-25. Review status: criteria provided, single submitter. Criteria: ACMG Guidelines, 2015. Collection method: clinical testing. Allele origin: germline.
Comment: The ATM c.8418+5_8418+8delGTGA variant is predicted to result in an intronic deletion. This variant, also known as IVS57+5_IVS57+8delGTGA, IVS59+5_IVS59+8delGTGA, IVS59+1del4, 8418+1delGTGA, and 8269del150, has been detected in the compound heterozygous state in several individuals with ataxia telangiectasia (Hacia et al. 1998. PubMed ID: 9872980; Li and Swift. 2000. PubMed ID: 10817650; Buzin et al. 2003. PubMed ID: 12552559; Pritzlaff et al. 2017. PubMed ID: 28008555) and in the heterozygous state in individuals with breast cancer and prostate cancer (Susswein et al. 2016. PubMed ID: 26681312) (Pritchard et al. 2016. PubMed ID: 27433846). This variant is reported in 0.0016% of alleles in individuals of European (Non-Finnish) descent in gnomAD and is interpreted as pathogenic in ClinVar (Variation ID: 181866). Multiple in silico splicing prediction tools indicate that the variant dramatically weakens the nearby donor site (Alamut Visual v2.11), and RNA studies indicate that it causes exon skipping (Wright et al. 1996. PubMed ID: 8808599). Taken together, we interpret this variant to be pathogenic.

Color Diagnostics, LLC DBA Color Health
Classification: Pathogenic for Hereditary cancer-predisposing syndrome. Last evaluated: 2024-07-26. Review status: criteria provided, single submitter. Criteria: ACMG Guidelines, 2015. Collection method: clinical testing. Allele origin: germline.
Comment: This variant deletes 4 nucleotides at the +5 to +8 position of intron 57 of the ATM gene. Splice site prediction tools suggest that this variant may have a significant impact on RNA splicing. RNA studies have shown that this variant causes the skipping of exon 57 (PMID: 8845835, 31843900), resulting in an in-frame deletion of 50 amino acids within the kinase domain of the ATM protein. Although protein functional studies have not been reported, this variant is expected to disrupt the kinase activity of the ATM protein. This variant (also known as c.8418+1_8418+4del, IVS59+1del4, IVS59+5_IVS59+8del and 8269del150 in the literature) has been reported in individuals affected with breast cancer (PMID: 16832357, 19781682, 26681312, 28008555, 32885271) and prostate cancer (PMID: 27433846). This variant has also been reported in the compound heterozygous state in individuals affected with ataxia telangiectasia (PMID: 8808599, 8845835, 9463314, 9872980, 10817650, 12552559, 28008555, 30549301). This variant has been identified in 2/282394 chromosomes in the general population by the Genome Aggregation Database (gnomAD). Loss of ATM function is a known mechanism of disease. Based on the available evidence, this variant is classified as Pathogenic.

Myriad Genetics, Inc.
Classification: Pathogenic for Familial cancer of breast. Last evaluated: 2024-05-30. Review status: criteria provided, single submitter. Criteria: Myriad Autosomal Dominant, Autosomal Recessive and X-Linked Classification Criteria (2023). Collection method: clinical testing. Allele origin: unknown.
Comment: This variant is considered pathogenic. mRNA analysis has demonstrated abnormal mRNA splicing occurs [Myriad internal data]. This variant has been reported in multiple individuals with clinical features of gene-specific disease [PMID: 8845835, 10817650, 12552559, 21792198, 37438524].

Athena Diagnostics
Classification: Pathogenic. Last evaluated: 2024-03-07. Review status: criteria provided, single submitter. Criteria: Athena Diagnostics Criteria. Collection method: clinical testing. Allele origin: unknown.
Comment: The frequency of this variant in the general population is consistent with pathogenicity. In multiple individuals with ataxia-telangiectasia, this variant has been seen with a single recessive pathogenic variant in the same gene. Assessment of experimental evidence suggests this variant results in abnormal RNA splicing (PMID: 8808599). Though the reading frame is expected to be maintained, it disrupts an important region of the protein, and therefore, is expected to disrupt its function.

Baylor Genetics
Classification: Pathogenic for Familial cancer of breast. Last evaluated: 2024-03-07. Review status: criteria provided, single submitter. Criteria: ACMG Guidelines, 2015. Collection method: clinical testing. Allele origin: unknown.

Blueprint Genetics
Classification: Pathogenic for ATM-related disorders. Last evaluated: 2024-03-05. Review status: criteria provided, single submitter. Criteria: ACMG Guidelines, 2015. Collection method: clinical testing. Allele origin: germline. Affected: yes. Observed: 5 variant alleles.

NM_000051.4(ATM):c.8418+5_8418+8del

Genes: ATM (ATM serine/threonine kinase; plus strand), C11orf65 (chromosome 11 open reading frame 65; minus strand). Cytogenetic location: 11q22.3.
Variant type: Microsatellite.
Coding change: c.8418+5_8418+8del on transcript NM_000051.4 (MANE Select); bases 5 to 8 of the intron after coding-DNA position 8418, 4 bases deleted (GTGA; older notation c.8418+5_8418+8delGTGA).
Molecular consequence: splice donor variant. On other transcripts: intron variant (2).
Genome position (GRCh38, 1-based): chr11:108,343,376-108,343,379, GTGA deleted; deleting any 4 consecutive bases within chr11:108,343,372-108,343,379 gives the same sequence; the c. name uses the placement nearest the transcript's 3' end. VCF-style (leftmost placement, unchanged base first): chr11-108343371-GGTGA-G. GRCh37 (hg19) VCF-style: chr11-108214098-GGTGA-G.
Other names: c.8418+1_8418+4del (NM_000051.3); c.8418+5_8418+8delGTGA (NM_000051.3); c.8418+1_8418+4delGTGA (NM_000051.3); c.8418+5_8418+8del (NM_001351834.2, NM_000051.2); c.641-34304_641-34301del (NM_001330368.2); c.695-8083_695-8080del (NM_001351110.2).
Identifiers: ClinVar variation 181866 (VCV000181866.49), dbSNP rs730881295, ClinGen allele CA298009.